The following is an entry in ClinVar:

ClinVar aggregate classification (germline): Uncertain significance (1 of 4 stars; one submission).

Conditions:
Tay-Sachs disease (TSD). Also called: GM2 gangliosidosis, type 1; Hexosaminidase alpha-subunit deficiency (variant B); Sphingolipidosis, Tay-Sachs; Hexosaminidase A Deficiency; HEXA DEFICIENCY; HEXA Disorders. Identifiers: Orphanet 845, MedGen C0039373, MONDO:0010100, OMIM 272800.

Submission:

Labcorp Genetics (formerly Invitae), Labcorp
Classification: Uncertain significance for Tay-Sachs disease. Last evaluated: 2021-08-26. Review status: criteria provided, single submitter. Criteria: Invitae Variant Classification Sherloc (09022015). Collection method: clinical testing. Allele origin: germline.
Comment: This sequence change replaces aspartic acid with asparagine at codon 34 of the HEXA protein (p.Asp34Asn). The aspartic acid residue is weakly conserved and there is a small physicochemical difference between aspartic acid and asparagine. This variant is not present in population databases (ExAC no frequency). This variant has not been reported in the literature in individuals affected with HEXA-related conditions. Algorithms developed to predict the effect of missense changes on protein structure and function output the following: SIFT: "Tolerated"; PolyPhen-2: "Benign"; Align-GVGD: "Class C0". The asparagine amino acid residue is found in multiple mammalian species, which suggests that this missense change does not adversely affect protein function. In summary, the available evidence is currently insufficient to determine the role of this variant in disease. Therefore, it has been classified as a Variant of Uncertain Significance.

NM_000520.6(HEXA):c.100G>A (p.Asp34Asn)

Gene: HEXA (hexosaminidase subunit alpha; minus strand). Cytogenetic location: 15q23.
Variant type: single nucleotide variant.
Coding change: c.100G>A on transcript NM_000520.6 (MANE Select); coding-DNA position 100, G replaced by A.
Protein change: p.Asp34Asn; replaces aspartic acid 34 with asparagine.
Molecular consequence: missense variant. On other transcripts: non-coding transcript variant (1).
Genome position (GRCh38, 1-based): chr15:72,375,873, C>T on the plus strand (G>A on the coding strand, the complement: HEXA is on the minus strand). VCF-style: chr15-72375873-C-T. GRCh37 (hg19) VCF-style: chr15-72668214-C-T.
Other names: c.100G>A, p.Asp34Asn (NM_001318825.2); short protein forms D34N.
Identifiers: ClinVar variation 2169084 (VCV002169084.1), dbSNP rs1453144677, ClinGen allele CA393070553.